The following is an entry in ClinVar:

ClinVar aggregate classification (germline): Conflicting classifications of pathogenicity. Review status: criteria provided, conflicting classifications (1 of 4 stars). 3 submissions from 3 submitters: Uncertain significance (1); Likely benign (2). Last evaluated 2024-08-21.

Conditions:
Hereditary cancer-predisposing syndrome. Also called: Neoplastic Syndromes, Hereditary; Tumor predisposition; Hereditary Cancer Syndrome; Hereditary neoplastic syndrome. Identifiers: Orphanet 140162, MedGen C0027672, MeSH D009386, MONDO:0015356.
Hereditary breast ovarian cancer syndrome. Also called: Hereditary breast and ovarian cancer syndrome; Hereditary breast and ovarian cancer; Hereditary breast and ovarian cancer syndrome (HBOC); Breast and ovarian cancer; Hereditary breast and/or ovarian cancer syndrome; BRCA1- and BRCA2-Associated Hereditary Breast and Ovarian Cancer. Identifiers: Orphanet 145, MedGen C0677776, MeSH D061325, MONDO:0003582. Disease mechanism: loss of function.

Allele frequency attached by ClinVar (database versions not stated): gnomAD exomes below 0.00001; TOPMed 0.00001; gnomAD 0.00002 and 0.00003.
gnomAD v4.1: 6 of 1,586,832 alleles (0.00038%); highest among the groups gnomAD compares: Admixed American, 0.0093%; no homozygotes.

Submissions (3):

Labcorp Genetics (formerly Invitae), Labcorp
Classification: Uncertain significance for Hereditary breast ovarian cancer syndrome. Last evaluated: 2024-08-21. Review status: criteria provided, single submitter. Criteria: Invitae Variant Classification Sherloc (09022015). Collection method: clinical testing. Allele origin: germline.
Comment: This sequence change replaces tyrosine, which is neutral and polar, with cysteine, which is neutral and slightly polar, at codon 1324 of the BRCA2 protein (p.Tyr1324Cys). This variant is present in population databases (no rsID available, gnomAD 0.003%). This variant has not been reported in the literature in individuals affected with BRCA2-related conditions. ClinVar contains an entry for this variant (Variation ID: 483105). Invitae Evidence Modeling of protein sequence and biophysical properties (such as structural, functional, and spatial information, amino acid conservation, physicochemical variation, residue mobility, and thermodynamic stability) indicates that this missense variant is not expected to disrupt BRCA2 protein function with a negative predictive value of 95%. In summary, the available evidence is currently insufficient to determine the role of this variant in disease. Therefore, it has been classified as a Variant of Uncertain Significance.

University of Washington Department of Laboratory Medicine, University of Washington
Classification: Likely benign for Hereditary cancer-predisposing syndrome. Last evaluated: 2023-03-23. Review status: criteria provided, single submitter. Criteria: Dines et al. (Genet Med. 2020). Collection method: curation. Allele origin: germline.
Comment: Missense variant in a coldspot region where missense variants are very unlikely to be pathogenic (PMID:31911673).

BRCA2 exon 11 coldspot. Reclassification based on statistical prior probability.

Ambry Genetics
Classification: Likely benign for Hereditary cancer-predisposing syndrome. Last evaluated: 2017-05-26. Review status: criteria provided, single submitter. Criteria: Ambry Variant Classification Scheme 2023. Collection method: clinical testing. Allele origin: germline.

NM_000059.4(BRCA2):c.3971A>G (p.Tyr1324Cys)

Gene: BRCA2 (BRCA2 DNA repair associated; plus strand). Cytogenetic location: 13q13.1.
Variant type: single nucleotide variant.
Coding change: c.3971A>G on transcript NM_000059.4 (MANE Select); coding-DNA position 3971, A replaced by G.
Protein change: p.Tyr1324Cys; replaces tyrosine 1324 with cysteine.
Molecular consequence: missense variant.
Genome position (GRCh38, 1-based): chr13:32,338,326, A>G. VCF-style: chr13-32338326-A-G. GRCh37 (hg19) VCF-style: chr13-32912463-A-G.
Other names: short protein forms Y1324C.
Identifiers: ClinVar variation 483105 (VCV000483105.18), dbSNP rs1486461236, ClinGen allele CA387778934.